The following is an entry in ClinVar:

ClinVar aggregate classification (germline): Pathogenic (1 of 4 stars; one submission).

Submission:

GeneDx
Classification: Pathogenic. Last evaluated: 2022-05-24. Review status: criteria provided, single submitter. Criteria: GeneDx Variant Classification Process June 2021. Collection method: clinical testing. Allele origin: germline. Affected: yes.
Comment: Canonical splice site variant expected to result in aberrant splicing, although in the absence of functional evidence the actual effect of this sequence change is unknown; Not observed at significant frequency in large population cohorts (gnomAD); This variant is associated with the following publications: (PMID: 30575289)

NM_001172509.2(SATB2):c.1741-1G>A

Genes: SATB2 (SATB homeobox 2; minus strand), LOC126806462 (MED14-independent group 3 enhancer GRCh37_chr2:200136608-200137807; plus strand). Cytogenetic location: 2q33.1.
Variant type: single nucleotide variant.
Coding change: c.1741-1G>A on transcript NM_001172509.2 (MANE Select); the canonical splice acceptor site of the intron before coding-DNA position 1741, G replaced by A.
Molecular consequence: splice acceptor variant.
Genome position (GRCh38, 1-based): chr2:199,272,673, C>T on the plus strand (G>A on the coding strand, the complement: SATB2 is on the minus strand). VCF-style: chr2-199272673-C-T. GRCh37 (hg19) VCF-style: chr2-200137396-C-T.
Other names: c.1741-1G>A (NM_001172517.1, NM_015265.4).
Identifiers: ClinVar variation 1801210 (VCV001801210.1), dbSNP rs2468783982, ClinGen allele CA350386114.